The following is an entry in ClinVar:

NM_014946.4(SPAST):c.1684C>G (p.Arg562Gly)

Gene: SPAST (spastin; plus strand). Cytogenetic location: 2p22.3.
Variant type: single nucleotide variant.
Coding change: c.1684C>G on transcript NM_014946.4 (MANE Select); coding-DNA position 1684, C replaced by G.
Protein change: p.Arg562Gly; replaces arginine 562 with glycine.
Molecular consequence: missense variant. On other transcripts: intron variant (1).
Genome position (GRCh38, 1-based): chr2:32,145,004, C>G. VCF-style: chr2-32145004-C-G. GRCh37 (hg19) VCF-style: chr2-32370073-C-G.
Other names: c.1681C>G, p.Arg561Gly (NM_001363823.2); c.1585C>G, p.Arg529Gly (NM_001363875.2); c.1588C>G, p.Arg530Gly (NM_199436.2); c.1520+1589C>G (NM_001377959.1); short protein forms R562G, R529G, R561G, R530G.
Identifiers: ClinVar variation 5673 (VCV000005673.12), dbSNP rs121908518, ClinGen allele CA253566.

ClinVar aggregate classification (germline): Pathogenic. Review status: criteria provided, single submitter (1 of 4 stars). 2 submissions from 2 submitters: Pathogenic (1). 1 of the submissions does not count toward it. Last evaluated 2019-01-25.

Conditions:
Hereditary spastic paraplegia 4. Also called: Spastic paraplegia 4, autosomal dominant; Familial spastic paraplegia autosomal dominant 2; Spastic Paraplegia 4. Identifiers: Orphanet 100985, MedGen C1866855, MONDO:0008438, OMIM 182601.

Submissions (2):

Labcorp Genetics (formerly Invitae), Labcorp
Classification: Pathogenic for Hereditary spastic paraplegia 4. Last evaluated: 2019-01-25. Review status: criteria provided, single submitter. Criteria: Invitae Variant Classification Sherloc (09022015). Collection method: clinical testing. Allele origin: germline.
Comment: For these reasons, this variant has been classified as Pathogenic. This variant disrupts the p.Arg562 amino acid residue in SPAST. Other variant(s) that disrupt this residue have been observed in individuals with SPAST-related conditions (PMID: 11843700, 19423133, 17971434, 27334366, 25326637), suggesting that it is a clinically significant residue. As a result, variants that disrupt this residue are likely to be causative of disease. This sequence change replaces arginine with glycine at codon 562 of the SPAST protein (p.Arg562Gly). The arginine residue is highly conserved and there is a moderate physicochemical difference between arginine and glycine. This variant is not present in population databases (ExAC no frequency). This variant has been observed to segregate with hereditary spastic paraplegia in a family (PMID: 15248095). ClinVar contains an entry for this variant (Variation ID: 5673). Algorithms developed to predict the effect of missense changes on protein structure and function (SIFT, PolyPhen-2, Align-GVGD) all suggest that this variant is likely to be disruptive, but these predictions have not been confirmed by published functional studies and their clinical significance is uncertain.

OMIM
Classification: Pathogenic for SPASTIC PARAPLEGIA 4. Last evaluated: 2004-09-01. Review status: no assertion criteria provided. Collection method: literature only. Allele origin: germline. Not counted in ClinVar's aggregate classification.

Literature cited by the submitters: PubMed 11843700 (cited by Labcorp Genetics (formerly Invitae), Labcorp); PubMed 19423133 (cited by Labcorp Genetics (formerly Invitae), Labcorp); PubMed 17971434 (cited by Labcorp Genetics (formerly Invitae), Labcorp); PubMed 27334366 (cited by Labcorp Genetics (formerly Invitae), Labcorp); PubMed 25326637 (cited by Labcorp Genetics (formerly Invitae), Labcorp); PubMed 15248095 (cited by Labcorp Genetics (formerly Invitae), Labcorp and OMIM).